The following is an entry in ClinVar:

ClinVar aggregate classification (germline): Uncertain significance (1 of 4 stars; one submission).

Submission:

Labcorp Genetics (formerly Invitae), Labcorp
Classification: Uncertain significance. Last evaluated: 2025-03-20. Review status: criteria provided, single submitter. Criteria: Invitae Variant Classification Sherloc (09022015). Collection method: clinical testing. Allele origin: germline.
Comment: This sequence change replaces proline, which is neutral and non-polar, with leucine, which is neutral and non-polar, at codon 738 of the COL4A5 protein (p.Pro738Leu). This variant is not present in population databases (gnomAD no frequency). This variant has not been reported in the literature in individuals affected with COL4A5-related conditions. Invitae Evidence Modeling of protein sequence and biophysical properties (such as structural, functional, and spatial information, amino acid conservation, physicochemical variation, residue mobility, and thermodynamic stability) indicates that this missense variant is not expected to disrupt COL4A5 protein function with a negative predictive value of 95%. In summary, the available evidence is currently insufficient to determine the role of this variant in disease. Therefore, it has been classified as a Variant of Uncertain Significance.

NM_033380.3(COL4A5):c.2213C>T (p.Pro738Leu)

Gene: COL4A5 (collagen type IV alpha 5 chain; plus strand). Cytogenetic location: Xq22.3.
Variant type: single nucleotide variant.
Coding change: c.2213C>T on transcript NM_033380.3 (MANE Select); coding-DNA position 2213, C replaced by T.
Protein change: p.Pro738Leu; replaces proline 738 with leucine.
Molecular consequence: missense variant.
Genome position (GRCh38, 1-based): chrX:108,603,030, C>T. VCF-style: chrX-108603030-C-T. GRCh37 (hg19) VCF-style: chrX-107846260-C-T.
Other names: c.2213C>T, p.Pro738Leu (NM_000495.5); short protein forms P738L.
Identifiers: ClinVar variation 4802186 (VCV004802186.1).